The following is an entry in ClinVar:

NM_000384.3(APOB):c.4351G>T (p.Gly1451Cys)

Gene: APOB (apolipoprotein B; minus strand). Cytogenetic location: 2p24.1.
Variant type: single nucleotide variant.
Coding change: c.4351G>T on transcript NM_000384.3 (MANE Select); coding-DNA position 4351, G replaced by T.
Protein change: p.Gly1451Cys; replaces glycine 1451 with cysteine.
Molecular consequence: missense variant.
Genome position (GRCh38, 1-based): chr2:21,012,517, C>A on the plus strand (G>T on the coding strand, the complement: APOB is on the minus strand). VCF-style: chr2-21012517-C-A. GRCh37 (hg19) VCF-style: chr2-21235389-C-A.
Other names: c.4351G>T (NM_000384.2); short protein forms G1451C.
Identifiers: ClinVar variation 4790267 (VCV004790267.2).

ClinVar aggregate classification (germline): Uncertain significance. Review status: criteria provided, multiple submitters, no conflicts (2 of 4 stars). 2 submissions from 2 submitters: Uncertain significance (2). Last evaluated 2026-07-02.

Conditions:
Familial hypobetalipoproteinemia 1. Also called: Hypobetalipoproteinemia, normotriglyceridemic; Acanthocytosis with hypobetalipoproteinemia; APOB-Related Familial Hypobetalipoproteinemia. Identifiers: MedGen C4551990, MONDO:0014252, OMIM 615558.
Hypercholesterolemia, autosomal dominant, type B (FHCL2). Also called: Familial Hypercholesterolemia Type B; APOLIPOPROTEIN B-100, FAMILIAL DEFECTIVE; APOLIPOPROTEIN B-100, FAMILIAL LIGAND-DEFECTIVE; HYPERCHOLESTEROLEMIA, FAMILIAL, DUE TO LIGAND-DEFECTIVE APOLIPOPROTEIN B; Hyperlipoproteinemia Type IIb; Familial hypercholesterolemia 2. Identifiers: MedGen C1704417, MONDO:0007751, OMIM 144010.
Cardiovascular phenotype. Identifiers: MedGen CN230736.

gnomAD v4.1: 6 of 1,614,016 alleles (0.00037%); highest among the groups gnomAD compares: African/African-American, 0.0053%; no homozygotes.

Submissions (2):

Ambry Genetics
Classification: Uncertain significance for Cardiovascular phenotype. Last evaluated: 2026-07-02. Review status: criteria provided, single submitter. Criteria: Ambry Variant Classification Scheme 2023. Collection method: clinical testing. Allele origin: germline.
Comment: The p.G1451C variant (also known as c.4351G>T), located in coding exon 26 of the APOB gene, results from a G to T substitution at nucleotide position 4351. The glycine at codon 1451 is replaced by cysteine, an amino acid with highly dissimilar properties. This amino acid position is conserved. In addition, this alteration is predicted to be tolerated by in silico analysis. Based on the available evidence, the clinical significance of this variant remains unclear.

Labcorp Genetics (formerly Invitae), Labcorp
Classification: Uncertain significance for Familial hypobetalipoproteinemia 1; Hypercholesterolemia, autosomal dominant, type B. Last evaluated: 2025-07-05. Review status: criteria provided, single submitter. Criteria: Invitae Variant Classification Sherloc (09022015). Collection method: clinical testing. Allele origin: germline.
Comment: This sequence change replaces glycine, which is neutral and non-polar, with cysteine, which is neutral and slightly polar, at codon 1451 of the APOB protein (p.Gly1451Cys). This variant is not present in population databases (gnomAD no frequency). This variant has not been reported in the literature in individuals affected with APOB-related conditions. Invitae Evidence Modeling of protein sequence and biophysical properties (such as structural, functional, and spatial information, amino acid conservation, physicochemical variation, residue mobility, and thermodynamic stability) indicates that this missense variant is not expected to disrupt APOB protein function with a negative predictive value of 95%. In summary, the available evidence is currently insufficient to determine the role of this variant in disease. Therefore, it has been classified as a Variant of Uncertain Significance.